The following is an entry in ClinVar:

ClinVar aggregate classification (germline): Uncertain significance. Review status: criteria provided, multiple submitters, no conflicts (2 of 4 stars). 2 submissions from 2 submitters: Uncertain significance (2). Last evaluated 2025-03-30.

Conditions:
Inborn genetic diseases. Identifiers: MedGen C0950123, MeSH D030342.

Submissions (2):

Ambry Genetics
Classification: Uncertain significance for Inborn genetic diseases. Last evaluated: 2025-03-30. Review status: criteria provided, single submitter. Criteria: Ambry Variant Classification Scheme 2023. Collection method: clinical testing. Allele origin: germline.

Labcorp Genetics (formerly Invitae), Labcorp
Classification: Uncertain significance. Last evaluated: 2024-10-08. Review status: criteria provided, single submitter. Criteria: Invitae Variant Classification Sherloc (09022015). Collection method: clinical testing. Allele origin: germline.
Comment: This sequence change replaces serine, which is neutral and polar, with asparagine, which is neutral and polar, at codon 246 of the THBD protein (p.Ser246Asn). This variant is not present in population databases (gnomAD no frequency). This variant has not been reported in the literature in individuals affected with THBD-related conditions. ClinVar contains an entry for this variant (Variation ID: 1932387). Invitae Evidence Modeling of protein sequence and biophysical properties (such as structural, functional, and spatial information, amino acid conservation, physicochemical variation, residue mobility, and thermodynamic stability) indicates that this missense variant is not expected to disrupt THBD protein function with a negative predictive value of 80%. In summary, the available evidence is currently insufficient to determine the role of this variant in disease. Therefore, it has been classified as a Variant of Uncertain Significance.

NM_000361.3(THBD):c.737G>A (p.Ser246Asn)

Gene: THBD (thrombomodulin; minus strand). Cytogenetic location: 20p11.21.
Variant type: single nucleotide variant.
Coding change: c.737G>A on transcript NM_000361.3 (MANE Select); coding-DNA position 737, G replaced by A.
Protein change: p.Ser246Asn; replaces serine 246 with asparagine.
Molecular consequence: missense variant.
Genome position (GRCh38, 1-based): chr20:23,048,768, C>T on the plus strand (G>A on the coding strand, the complement: THBD is on the minus strand). VCF-style: chr20-23048768-C-T. GRCh37 (hg19) VCF-style: chr20-23029405-C-T.
Other names: short protein forms S246N.
Identifiers: ClinVar variation 1932387 (VCV001932387.6), dbSNP rs868499500, ClinGen allele CA408407052.